The following is an entry in ClinVar:

ClinVar aggregate classification (germline): Uncertain significance (1 of 4 stars; one submission).

Submission:

Greenwood Genetic Center Diagnostic Laboratories, Greenwood Genetic Center
Classification: Uncertain significance. Last evaluated: 2024-02-21. Review status: criteria provided, single submitter. Criteria: ACMG Guidelines, 2015. Collection method: clinical testing. Allele origin: germline. Affected: yes.
Comment: PM2, PP3, PP2

NM_006306.4(SMC1A):c.3473T>C (p.Ile1158Thr)

Gene: SMC1A (structural maintenance of chromosomes 1A; minus strand). Cytogenetic location: Xp11.22.
Variant type: single nucleotide variant.
Coding change: c.3473T>C on transcript NM_006306.4 (MANE Select); coding-DNA position 3473, T replaced by C.
Protein change: p.Ile1158Thr; replaces isoleucine 1158 with threonine.
Molecular consequence: missense variant.
Genome position (GRCh38, 1-based): chrX:53,381,052, A>G on the plus strand (T>C on the coding strand, the complement: SMC1A is on the minus strand). VCF-style: chrX-53381052-A-G. GRCh37 (hg19) VCF-style: chrX-53407973-A-G.
Other names: c.3407T>C, p.Ile1136Thr (NM_001281463.1); short protein forms I1136T, I1158T.
Identifiers: ClinVar variation 3235753 (VCV003235753.1), dbSNP rs2520815447, ClinGen allele CA413242672.